The following is an entry in ClinVar:

ClinVar aggregate classification (germline): Likely pathogenic (1 of 4 stars; one submission).

Conditions:
Dent disease type 1 (DENT1). Also called: NEPHROLITHIASIS 2; NEPHROLITHIASIS, HYPERCALCIURIC, X-LINKED. Identifiers: Orphanet 1652, Orphanet 93622, MedGen C1848336, MONDO:0010225, OMIM 300009.

Submission:

Molecular Genetics Department, Kulakov National Medical Research Center for Obstetrics, Gynecology and Perinatology
Classification: Likely pathogenic for Dent disease type 1. Review status: criteria provided, single submitter. Criteria: ACMG Guidelines, 2015. Collection method: clinical testing. Allele origin: germline. Affected: yes.
Comment: A previously undescribed nucleotide variant creates a missense p.Gly179Val in the CLCN5 gene. Hemizygous variants are reported in patients with Dent disease 1, 300009, Hypophosphatemic rickets, 300554, Nephrolithiasis, type I, 310468, Proteinuria, low molecular weight, with hypercalciuric nephrocalcinosis, 308990. Another missense variant at the same position (p.Gly179Asp)was previously reported in patient with Dent disease (OMIM: 300009; Dent disease 1) [Grand et al., 2009, PMID: 19657328]. The variant is not present in population database (gnomAD no frequency). In summary, the currently available evidence indicates that the variant is pathogenic, but additional data are needed to prove that conclusively. Therefore, this variant has been classified as likely pathogenic.

NM_001127898.4(CLCN5):c.746G>T (p.Gly249Val)

Gene: CLCN5 (Cl-/H+ antiporter 5; plus strand). Cytogenetic location: Xp11.23.
Variant type: single nucleotide variant.
Coding change: c.746G>T on transcript NM_001127898.4 (MANE Select); coding-DNA position 746, G replaced by T.
Protein change: p.Gly249Val; replaces glycine 249 with valine.
Molecular consequence: missense variant.
Genome position (GRCh38, 1-based): chrX:50,081,660, G>T. VCF-style: chrX-50081660-G-T. GRCh37 (hg19) VCF-style: chrX-49846317-G-T.
Other names: c.536G>T, p.Gly179Val (NM_000084.5); c.746G>T, p.Gly249Val (NM_001127899.4); c.596G>T, p.Gly199Val (NM_001282163.2); short protein forms G179V, G199V, G249V.
Identifiers: ClinVar variation 3062282 (VCV003062282.1), dbSNP rs2519421939, ClinGen allele CA413184047.